The following is an entry in ClinVar:

NM_001042492.3(NF1):c.4657C>T (p.Pro1553Ser)

Gene: NF1 (neurofibromin 1; plus strand). Cytogenetic location: 17q11.2.
Variant type: single nucleotide variant.
Coding change: c.4657C>T on transcript NM_001042492.3 (MANE Select); coding-DNA position 4657, C replaced by T.
Protein change: p.Pro1553Ser; replaces proline 1553 with serine.
Molecular consequence: missense variant.
Genome position (GRCh38, 1-based): chr17:31,261,790, C>T. VCF-style: chr17-31261790-C-T. GRCh37 (hg19) VCF-style: chr17-29588808-C-T.
Other names: c.4594C>T, p.Pro1532Ser (NM_000267.4); short protein forms P1532S, P1553S.
Identifiers: ClinVar variation 484130 (VCV000484130.16), dbSNP rs1033427343, ClinGen allele CA289353653.

ClinVar aggregate classification (germline): Uncertain significance. Review status: criteria provided, multiple submitters, no conflicts (2 of 4 stars). 4 submissions from 4 submitters: Uncertain significance (3). 1 of the submissions does not count toward it. Last evaluated 2024-08-30.

Conditions:
Cardiovascular phenotype. Identifiers: MedGen CN230736.
Hereditary cancer-predisposing syndrome. Also called: Hereditary neoplastic syndrome; Neoplastic Syndromes, Hereditary; Tumor predisposition; Hereditary Cancer Syndrome. Identifiers: Orphanet 140162, MedGen C0027672, MeSH D009386, MONDO:0015356.
NF1-related disorder. Also called: NF1-related condition. Identifiers: MedGen CN379171.
Neurofibromatosis, type 1 (NF1). Also called: VON RECKLINGHAUSEN DISEASE; Peripheral type neurofibromatosis; NEUROFIBROMATOSIS, TYPE I, SOMATIC; Neurofibromatosis, type I. Identifiers: Orphanet 636, MedGen C0027831, MONDO:0018975, OMIM 162200. Disease mechanism: loss of function.

Allele frequency attached by ClinVar (database versions not stated): gnomAD exomes below 0.00001; TOPMed 0.00002.
gnomAD v4.1: 3 of 1,612,572 alleles (0.00019%); highest among the groups gnomAD compares: Non-Finnish European, 0.00025%; no homozygotes.

Submissions (4):

Ambry Genetics
Classification: Uncertain significance for Cardiovascular phenotype; Hereditary cancer-predisposing syndrome. Last evaluated: 2024-08-30. Review status: criteria provided, single submitter. Criteria: Ambry Variant Classification Scheme 2023. Collection method: clinical testing. Allele origin: germline.
Comment: The p.P1532S variant (also known as c.4594C>T), located in coding exon 34 of the NF1 gene, results from a C to T substitution at nucleotide position 4594. The proline at codon 1532 is replaced by serine, an amino acid with similar properties. This amino acid position is highly conserved in available vertebrate species. In addition, this alteration is predicted to be tolerated by in silico analysis. Based on the available evidence, the clinical significance of this variant remains unclear.

Labcorp Genetics (formerly Invitae), Labcorp
Classification: Uncertain significance for Neurofibromatosis, type 1. Last evaluated: 2024-08-12. Review status: criteria provided, single submitter. Criteria: Invitae Variant Classification Sherloc (09022015). Collection method: clinical testing. Allele origin: germline.
Comment: This sequence change replaces proline, which is neutral and non-polar, with serine, which is neutral and polar, at codon 1532 of the NF1 protein (p.Pro1532Ser). This variant is present in population databases (no rsID available, gnomAD 0.0009%). This variant has not been reported in the literature in individuals affected with NF1-related conditions. ClinVar contains an entry for this variant (Variation ID: 484130). Advanced modeling of protein sequence and biophysical properties (such as structural, functional, and spatial information, amino acid conservation, physicochemical variation, residue mobility, and thermodynamic stability) has been performed at Invitae for this missense variant, however the output from this modeling did not meet the statistical confidence thresholds required to predict the impact of this variant on NF1 protein function. In summary, the available evidence is currently insufficient to determine the role of this variant in disease. Therefore, it has been classified as a Variant of Uncertain Significance.

Genome-Nilou Lab
Classification: Uncertain significance for Neurofibromatosis, type 1. Last evaluated: 2022-03-15. Review status: criteria provided, single submitter. Criteria: ACMG Guidelines, 2015. Collection method: clinical testing. Allele origin: germline. Affected: no.

PreventionGenetics, part of Exact Sciences
Classification: Uncertain significance for NF1-related condition. Last evaluated: 2024-09-25. Review status: no assertion criteria provided. Collection method: clinical testing. Allele origin: germline. Not counted in ClinVar's aggregate classification.
Comment: The NF1 c.4657C>T variant is predicted to result in the amino acid substitution p.Pro1553Ser. To our knowledge, this variant has not been reported in the literature. This variant is reported in 0.00088% of alleles in individuals of European (Non-Finnish) descent in gnomAD. At this time, the clinical significance of this variant is uncertain due to the absence of conclusive functional and genetic evidence.